The following is an entry in ClinVar:

NM_000142.5(FGFR3):c.391T>C (p.Ser131Pro)

Gene: FGFR3 (fibroblast growth factor receptor 3; plus strand). Cytogenetic location: 4p16.3.
Variant type: single nucleotide variant.
Coding change: c.391T>C on transcript NM_000142.5 (MANE Select); coding-DNA position 391, T replaced by C.
Protein change: p.Ser131Pro; replaces serine 131 with proline.
Molecular consequence: missense variant. On other transcripts: non-coding transcript variant (1).
Genome position (GRCh38, 1-based): chr4:1,799,758, T>C. VCF-style: chr4-1799758-T-C. GRCh37 (hg19) VCF-style: chr4-1801485-T-C.
Other names: c.391T>C, p.Ser131Pro (NM_001163213.2, NM_001354809.2, NM_001354810.2 and 1 more transcripts); c.391T>C (NM_000142.4); short protein forms S131P.
Identifiers: ClinVar variation 1680002 (VCV001680002.10), dbSNP rs951384304, ClinGen allele CA91246371.

ClinVar aggregate classification (germline): Uncertain significance. Review status: criteria provided, multiple submitters, no conflicts (2 of 4 stars). 3 submissions from 3 submitters: Uncertain significance (3). Last evaluated 2025-09-25.

Conditions:
Inborn genetic diseases. Identifiers: MedGen C0950123, MeSH D030342.

Allele frequency attached by ClinVar (database versions not stated): gnomAD exomes below 0.00001 and 0.00001; TOPMed 0.00002; gnomAD 0.00003.
gnomAD v4.1: 10 of 1,612,840 alleles (0.00062%); highest among the groups gnomAD compares: African/African-American, 0.0013%; no homozygotes.

Submissions (3):

Ambry Genetics
Classification: Uncertain significance for Inborn genetic diseases. Last evaluated: 2025-09-25. Review status: criteria provided, single submitter. Criteria: Ambry Variant Classification Scheme 2023. Collection method: clinical testing. Allele origin: germline.

Labcorp Genetics (formerly Invitae), Labcorp
Classification: Uncertain significance. Last evaluated: 2024-05-15. Review status: criteria provided, single submitter. Criteria: Invitae Variant Classification Sherloc (09022015). Collection method: clinical testing. Allele origin: germline.
Comment: This sequence change replaces serine, which is neutral and polar, with proline, which is neutral and non-polar, at codon 131 of the FGFR3 protein (p.Ser131Pro). This variant is present in population databases (no rsID available, gnomAD 0.002%). This variant has not been reported in the literature in individuals affected with FGFR3-related conditions. ClinVar contains an entry for this variant (Variation ID: 1680002). Advanced modeling of protein sequence and biophysical properties (such as structural, functional, and spatial information, amino acid conservation, physicochemical variation, residue mobility, and thermodynamic stability) has been performed at Invitae for this missense variant, however the output from this modeling did not meet the statistical confidence thresholds required to predict the impact of this variant on FGFR3 protein function. In summary, the available evidence is currently insufficient to determine the role of this variant in disease. Therefore, it has been classified as a Variant of Uncertain Significance.

GeneDx
Classification: Uncertain significance. Last evaluated: 2024-04-02. Review status: criteria provided, single submitter. Criteria: GeneDx Variant Classification Process June 2021. Collection method: clinical testing. Allele origin: germline. Affected: yes.
Comment: In silico analysis supports that this missense variant has a deleterious effect on protein structure/function; Has not been previously published as pathogenic or benign to our knowledge